The following is an entry in ClinVar:

NM_032131.6(ARMC2):c.551C>T (p.Ala184Val)

Gene: ARMC2 (armadillo repeat containing 2; plus strand). Cytogenetic location: 6q21.
Variant type: single nucleotide variant.
Coding change: c.551C>T on transcript NM_032131.6 (MANE Select); coding-DNA position 551, C replaced by T.
Protein change: p.Ala184Val; replaces alanine 184 with valine.
Molecular consequence: missense variant.
Genome position (GRCh38, 1-based): chr6:108,876,230, C>T. VCF-style: chr6-108876230-C-T. GRCh37 (hg19) VCF-style: chr6-109197433-C-T.
Other names: c.56C>T, p.Ala19Val (NM_001286609.2); short protein forms A184V, A19V.
Identifiers: ClinVar variation 3040116 (VCV003040116.2), dbSNP rs181478757, ClinGen allele CA3949663.

ClinVar aggregate classification (germline): Benign (0 of 4 stars; one submission).

Conditions:
ARMC2-related disorder. Also called: ARMC2-related condition.

Allele frequency attached by ClinVar (database versions not stated): gnomAD exomes 0.00021; TOPMed 0.00048; gnomAD 0.00054; ExAC 0.00077; 1000 Genomes Project 30x 0.00156; 1000 Genomes Project 0.00160.
gnomAD v4.1: 456 of 1,612,734 alleles (0.028%); highest among the groups gnomAD compares: East Asian, 0.75%; 4 homozygotes.

Submission:

PreventionGenetics, part of Exact Sciences
Classification: Benign for ARMC2-related condition. Last evaluated: 2024-06-05. Review status: no assertion criteria provided. Collection method: clinical testing. Allele origin: germline.
Comment: This variant is classified as benign based on ACMG/AMP sequence variant interpretation guidelines (Richards et al. 2015 PMID: 25741868, with internal and published modifications).